The following is an entry in ClinVar:

NM_004168.4(SDHA):c.916C>G (p.Leu306Val)

Gene: SDHA (succinate dehydrogenase complex flavoprotein subunit A; plus strand). Cytogenetic location: 5p15.33.
Variant type: single nucleotide variant.
Coding change: c.916C>G on transcript NM_004168.4 (MANE Select); coding-DNA position 916, C replaced by G.
Protein change: p.Leu306Val; replaces leucine 306 with valine.
Molecular consequence: missense variant.
Genome position (GRCh38, 1-based): chr5:233,497, C>G. VCF-style: chr5-233497-C-G. GRCh37 (hg19) VCF-style: chr5-233612-C-G.
Other names: c.772C>G, p.Leu258Val (NM_001294332.2); c.916C>G, p.Leu306Val (NM_001330758.2); c.916C>G (NM_004168.2); short protein forms L258V, L306V.
Identifiers: ClinVar variation 955092 (VCV000955092.11), dbSNP rs1735544893, ClinGen allele CA359012547.
Genomic context (GRCh38, chr5:233,497, plus strand): 5'-TAGCAATTGTTAGGTAATAAATATGTGTGGTTTTTTGCAGGCATATATGGTGCTGGTTGT[C>G]TCATTACGGAAGGATGTCGTGGAGAGGGAGGCATTCTCATTAACAGTCAAGGCGAAAGGT-3'
Protein context (NP_004159.2, residues 296-316): HPTGIYGAGC[Leu306Val]ITEGCRGEGG

ClinVar aggregate classification (germline): Uncertain significance. Review status: criteria provided, multiple submitters, no conflicts (2 of 4 stars). 2 submissions from 2 submitters: Uncertain significance (2). Last evaluated 2025-10-22.

Conditions:
Mitochondrial complex II deficiency, nuclear type 1. Also called: SUCCINATE CoQ REDUCTASE DEFICIENCY. Identifiers: Orphanet 3208, MedGen C5700310, MONDO:0100294, OMIM 252011.
Pheochromocytoma/paraganglioma syndrome 5. Also called: Paragangliomas 5; SDHA-Related Hereditary Paraganglioma-Pheochromocytoma Syndrome. Identifiers: Orphanet 29072, MedGen C3279992, MONDO:0013602, OMIM 614165.
Hereditary cancer-predisposing syndrome. Also called: Hereditary Cancer Syndrome; Neoplastic Syndromes, Hereditary; Tumor predisposition; Hereditary neoplastic syndrome. Identifiers: Orphanet 140162, MedGen C0027672, MeSH D009386, MONDO:0015356.

Submissions (2):

Ambry Genetics
Classification: Uncertain significance for Hereditary cancer-predisposing syndrome. Last evaluated: 2025-10-22. Review status: criteria provided, single submitter. Criteria: Ambry Variant Classification Scheme 2023. Collection method: clinical testing. Allele origin: germline.
Comment: The p.L306V variant (also known as c.916C>G), located in coding exon 8 of the SDHA gene, results from a C to G substitution at nucleotide position 916. The leucine at codon 306 is replaced by valine, an amino acid with highly similar properties. This amino acid position is conserved. In addition, the in silico prediction for this alteration is inconclusive. Based on the available evidence, the clinical significance of this variant remains unclear.

Labcorp Genetics (formerly Invitae), Labcorp
Classification: Uncertain significance for Pheochromocytoma/paraganglioma syndrome 5; Mitochondrial complex II deficiency, nuclear type 1. Last evaluated: 2022-10-24. Review status: criteria provided, single submitter. Criteria: Invitae Variant Classification Sherloc (09022015). Collection method: clinical testing. Allele origin: germline.
Comment: This variant is not present in population databases (gnomAD no frequency). This sequence change replaces leucine, which is neutral and non-polar, with valine, which is neutral and non-polar, at codon 306 of the SDHA protein (p.Leu306Val). This variant has not been reported in the literature in individuals affected with SDHA-related conditions. ClinVar contains an entry for this variant (Variation ID: 955092). Algorithms developed to predict the effect of missense changes on protein structure and function (SIFT, PolyPhen-2, Align-GVGD) all suggest that this variant is likely to be disruptive. In summary, the available evidence is currently insufficient to determine the role of this variant in disease. Therefore, it has been classified as a Variant of Uncertain Significance.